The following is an entry in ClinVar:

NM_052867.4(NALCN):c.4006T>C (p.Phe1336Leu)

Gene: NALCN (sodium leak channel, non-selective; minus strand). Cytogenetic location: 13q32.3.
Variant type: single nucleotide variant.
Coding change: c.4006T>C on transcript NM_052867.4 (MANE Select); coding-DNA position 4006, T replaced by C.
Protein change: p.Phe1336Leu; replaces phenylalanine 1336 with leucine.
Molecular consequence: missense variant.
Genome position (GRCh38, 1-based): chr13:101,074,611, A>G on the plus strand (T>C on the coding strand, the complement: NALCN is on the minus strand). VCF-style: chr13-101074611-A-G. GRCh37 (hg19) VCF-style: chr13-101726962-A-G.
Other names: c.4093T>C, p.Phe1365Leu (NM_001350748.2); c.4006T>C, p.Phe1336Leu (NM_001350749.2); c.3919T>C, p.Phe1307Leu (NM_001350750.2, NM_001350751.2); short protein forms F1307L, F1336L, F1365L.
Identifiers: ClinVar variation 3377391 (VCV003377391.1).

ClinVar aggregate classification (germline): Likely benign (1 of 4 stars; one submission).

Conditions:
Congenital contractures of the limbs and face, hypotonia, and developmental delay (CLIFAHDD). Identifiers: Orphanet 562528, MedGen C4225398, MONDO:0014556, OMIM 616266.

gnomAD v4.1: 1 of 1,613,748 alleles (0.000062%); highest among the groups gnomAD compares: Non-Finnish European, 0.000085%; no homozygotes.

Submission:

Victorian Clinical Genetics Services, Murdoch Childrens Research Institute
Classification: Likely benign for Congenital contractures of the limbs and face, hypotonia, and developmental delay. Last evaluated: 2022-02-02. Review status: criteria provided, single submitter. Criteria: ACMG Guidelines, 2015. Collection method: clinical testing. Allele origin: germline. Inheritance: Autosomal dominant inheritance. Affected: yes.
Comment: Based on the classification scheme VCGS_Germline_v1.3.4, this variant is classified as Likely benign. Following criteria are met: 0102 - Loss of function is a known mechanism of disease in this gene and is associated with autosomal recessive infantile hypotonia, with psychomotor defects and characteristic facies 1 (MIM#615419). Additionally, missense variants within the S5/S6 segments with a dominant negative or gain of function mechanism, are suspected to cause autosomal dominant congenital contractures of the limbs and face, hypotonia, and developmental delay (MIM#616266) (PMID: 25683120, PMID: 31409833). (I) 0108 - This gene is associated with both recessive and dominant disease (OMIM). (I) 0200 - Variant is predicted to result in a missense amino acid change from phenylalanine to leucine. (I) 0251 - This variant is heterozygous. (I) 0301 - Variant is absent from gnomAD (both v2 and v3). (SP) 0502 - Missense variant with conflicting in silico predictions and uninformative conservation. (I) 0603 - Missense variant in a region that is highly intolerant to missense variation (high constraint region in DECIPHER). (SP) 0705 - No comparable missense variants have previous evidence for pathogenicity. (I) 0807 - This variant has no previous evidence of pathogenicity. (I) 0905 - No published segregation evidence has been identified for this variant. (I) 1007 - No published functional evidence has been identified for this variant. (I) 1102 - Strong phenotype match for this individual. (I) Legend: (SP) - Supporting pathogenic, (I) - Information, (SB) - Supporting benign

Literature cited by the submitters: PubMed 25683120; PubMed 31409833.